The following is an entry in ClinVar:

ClinVar aggregate classification (germline): Uncertain significance (1 of 4 stars; one submission).

Allele frequency attached by ClinVar (database versions not stated): ExAC 0.00001.

Submission:

Labcorp Genetics (formerly Invitae), Labcorp
Classification: Uncertain significance. Last evaluated: 2022-02-03. Review status: criteria provided, single submitter. Criteria: Invitae Variant Classification Sherloc (09022015). Collection method: clinical testing. Allele origin: germline.
Comment: In summary, the available evidence is currently insufficient to determine the role of this variant in disease. Therefore, it has been classified as a Variant of Uncertain Significance. Variants that disrupt the consensus splice site are a relatively common cause of aberrant splicing (PMID: 17576681, 9536098). Algorithms developed to predict the effect of sequence changes on RNA splicing suggest that this variant may disrupt the consensus splice site. This variant has not been reported in the literature in individuals affected with HK1-related conditions. This variant is present in population databases (rs749997636, gnomAD 0.0009%). This sequence change falls in intron 8 of the HK1 gene. It does not directly change the encoded amino acid sequence of the HK1 protein. It affects a nucleotide within the consensus splice site.

Literature cited by the submitters: PubMed 17576681; PubMed 9536098.

NM_000188.3(HK1):c.1031+3A>G

Gene: HK1 (hexokinase 1; plus strand). Cytogenetic location: 10q22.1.
Variant type: single nucleotide variant.
Coding change: c.1031+3A>G on transcript NM_000188.3 (MANE Select); 3 bases into the intron after coding-DNA position 1031, A replaced by G.
Molecular consequence: intron variant.
Genome position (GRCh38, 1-based): chr10:69,377,092, A>G. VCF-style: chr10-69377092-A-G. GRCh37 (hg19) VCF-style: chr10-71136848-A-G.
Other names: c.995+3A>G (NM_033500.2); c.1136+3A>G (NM_001322365.2); c.1043+3A>G (NM_033498.3, NM_033497.3, NM_001322364.2 and 1 more transcripts); c.1028+3A>G (NM_033496.3); c.947+3A>G (NM_001322366.1); c.935+3A>G (NM_001322367.1).
Identifiers: ClinVar variation 1987245 (VCV001987245.4), dbSNP rs749997636, ClinGen allele CA5532473.